The following is an entry in ClinVar:

ClinVar aggregate classification (germline): Conflicting classifications of pathogenicity. Review status: criteria provided, conflicting classifications (1 of 4 stars). 2 submissions from 2 submitters: Likely pathogenic (1); Uncertain significance (1). Last evaluated 2023-09-25.

Conditions:
Hyperekplexia 1 (STHE). Also called: STARTLE DISEASE, FAMILIAL; STIFF-BABY SYNDROME; STIFF-MAN SYNDROME, CONGENITAL; STIFF-PERSON SYNDROME, CONGENITAL; EXAGGERATED STARTLE REACTION; KOK DISEASE. Identifiers: Orphanet 3197, MedGen C4551954, MONDO:0007868, OMIM 149400.

Allele frequency attached by ClinVar (database versions not stated): gnomAD exomes below 0.00001.
gnomAD v4.1: 2 of 1,614,014 alleles (0.00012%); highest among the groups gnomAD compares: Non-Finnish European, 0.00017%; no homozygotes.

Submissions (2):

Clinical Genetics Laboratory, Skane University Hospital Lund
Classification: Uncertain significance. Last evaluated: 2023-09-25. Review status: criteria provided, single submitter. Criteria: ACMG Guidelines, 2015. Collection method: clinical testing. Allele origin: germline. Affected: yes.

Labcorp Genetics (formerly Invitae), Labcorp
Classification: Likely pathogenic for Hereditary hyperekplexia. Last evaluated: 2019-01-31. Review status: criteria provided, single submitter. Criteria: Invitae Variant Classification Sherloc (09022015). Collection method: clinical testing. Allele origin: germline.
Comment: This sequence change affects an acceptor splice site in intron 5 of the GLRA1 gene. It is expected to disrupt RNA splicing and likely results in an absent or disrupted protein product. This variant is not present in population databases (ExAC no frequency). Algorithms developed to predict the effect of sequence changes on RNA splicing suggest that this variant may disrupt the consensus splice site, but this prediction has not been confirmed by published transcriptional studies. Donor and acceptor splice site variants typically lead to a loss of protein function (PMID: 16199547), and loss-of-function variants in GLRA1 are known to be pathogenic (PMID: 20631190). In summary, the currently available evidence indicates that the variant is pathogenic, but additional data are needed to prove that conclusively. Therefore, this variant has been classified as Likely Pathogenic.

Literature cited by the submitters: PubMed 20631190 (cited by Labcorp Genetics (formerly Invitae), Labcorp).

NM_000171.4(GLRA1):c.560-1G>C

Gene: GLRA1 (glycine receptor alpha 1; minus strand). Cytogenetic location: 5q33.1.
Variant type: single nucleotide variant.
Coding change: c.560-1G>C on transcript NM_000171.4 (MANE Select); the canonical splice acceptor site of the intron before coding-DNA position 560, G replaced by C.
Molecular consequence: splice acceptor variant.
Genome position (GRCh38, 1-based): chr5:151,855,178, C>G on the plus strand (G>C on the coding strand, the complement: GLRA1 is on the minus strand). VCF-style: chr5-151855178-C-G. GRCh37 (hg19) VCF-style: chr5-151234739-C-G.
Other names: c.311-1G>C (NM_001292000.2); c.560-1G>C (NM_001146040.2).
Identifiers: ClinVar variation 852093 (VCV000852093.2), dbSNP rs748908505, ClinGen allele CA361840235.